The following is an entry in ClinVar:

ClinVar aggregate classification (germline): Conflicting classifications of pathogenicity. Review status: criteria provided, conflicting classifications (1 of 4 stars). 4 submissions from 4 submitters: Uncertain significance (3); Likely benign (1). Last evaluated 2026-01-21.

Conditions:
Interstitial lung disease due to ABCA3 deficiency. Also called: PULMONARY ALVEOLAR PROTEINOSIS, CONGENITAL, 3. Identifiers: Orphanet 440402, MedGen C1970456, MONDO:0012582, OMIM 610921.
Interstitial lung disease 2 (ILD2). Also called: FIBROCYSTIC PULMONARY DYSPLASIA; FIBROSING ALVEOLITIS, CRYPTOGENIC; Familial idiopathic pulmonary fibrosis. Identifiers: Orphanet 2032, Orphanet 79126, MedGen C5561926, MONDO:0800497, OMIM 178500, MONDO:0800029.
Hereditary pulmonary alveolar proteinosis. Also called: Pulmonary surfactant metabolism dysfunction. Identifiers: Orphanet 264675, MedGen C3711368, MONDO:0012580.

Allele frequency attached by ClinVar (database versions not stated): TOPMed 0.00007.
gnomAD v4.1: 99 of 1,613,596 alleles (0.0061%); highest among the groups gnomAD compares: Non-Finnish European, 0.00059%; no homozygotes.

Submissions (4):

Labcorp Genetics (formerly Invitae), Labcorp
Classification: Likely benign. Last evaluated: 2026-01-21. Review status: criteria provided, single submitter. Criteria: Invitae Variant Classification Sherloc (09022015). Collection method: clinical testing. Allele origin: germline.

Alder lab, University of Pittsburgh
Classification: Uncertain significance for Interstitial lung disease 2. Last evaluated: 2022-08-01. Review status: criteria provided, single submitter. Criteria: ACMG Guidelines, 2015. Collection method: research. Allele origin: germline. Affected: yes.

Ambry Genetics
Classification: Uncertain significance for Hereditary pulmonary alveolar proteinosis. Last evaluated: 2022-01-04. Review status: criteria provided, single submitter. Criteria: Ambry Variant Classification Scheme 2023. Collection method: clinical testing. Allele origin: germline.
Comment: The p.D724E variant (also known as c.2172C>G), located in coding exon 14 of the ABCA3 gene, results from a C to G substitution at nucleotide position 2172. The aspartic acid at codon 724 is replaced by glutamic acid, an amino acid with highly similar properties. This amino acid position is conserved. In addition, this alteration is predicted to be deleterious by in silico analysis. Since supporting evidence is limited at this time, the clinical significance of this alteration remains unclear.

Illumina Laboratory Services, Illumina
Classification: Uncertain significance for Interstitial lung disease due to ABCA3 deficiency. Last evaluated: 2018-01-13. Review status: criteria provided, single submitter. Criteria: ICSL Variant Classification Criteria 13 December 2019. Collection method: clinical testing. Allele origin: germline.

NM_001089.3(ABCA3):c.2172C>G (p.Asp724Glu)

Gene: ABCA3 (ATP binding cassette subfamily A member 3; minus strand). Cytogenetic location: 16p13.3.
Variant type: single nucleotide variant.
Coding change: c.2172C>G on transcript NM_001089.3 (MANE Select); coding-DNA position 2172, C replaced by G.
Protein change: p.Asp724Glu; replaces aspartic acid 724 with glutamic acid.
Molecular consequence: missense variant.
Genome position (GRCh38, 1-based): chr16:2,297,420, G>C on the plus strand (C>G on the coding strand, the complement: ABCA3 is on the minus strand). VCF-style: chr16-2297420-G-C. GRCh37 (hg19) VCF-style: chr16-2347421-G-C.
Other names: short protein forms D724E.
Identifiers: ClinVar variation 885895 (VCV000885895.10), dbSNP rs200855390, ClinGen allele CA7840935.
Genomic context (GRCh38, chr16:2,297,420, plus strand): 5'-GCAGCACTGCAGCTCCCCCTTGGCCATGATGGCGATGCGGTCTCCCAGCAGGTCAGCCTC[G>C]TCCATGAAGTGGGTGGTCAGCACGATGGTGCGGTCACTTTTCTGCCGCTGAAGAAGATCC-3'
Protein context (NP_001080.2, residues 714-734): RTIVLTTHFM[Asp724Glu]EADLLGDRIA